The following is an entry in ClinVar:

ClinVar aggregate classification (germline): Uncertain significance (1 of 4 stars; one submission).

Conditions:
Developmental and epileptic encephalopathy, 30 (DEE30). Also called: Epileptic encephalopathy, early infantile, 30. Identifiers: MedGen C4225360, MONDO:0014595, OMIM 616341.

Allele frequency attached by ClinVar (database versions not stated): gnomAD exomes 0.00001; ExAC 0.00002.
gnomAD v4.1: 2 of 334,750 alleles (0.0006%); highest among the groups gnomAD compares: African/African-American, 0.0066%; 1 homozygote.

Submission:

Labcorp Genetics (formerly Invitae), Labcorp
Classification: Uncertain significance for Developmental and epileptic encephalopathy, 30. Last evaluated: 2023-11-08. Review status: criteria provided, single submitter. Criteria: Invitae Variant Classification Sherloc (09022015). Collection method: clinical testing. Allele origin: germline.
Comment: This sequence change replaces glutamine, which is neutral and polar, with arginine, which is basic and polar, at codon 633 of the SIK1 protein (p.Gln633Arg). The frequency data for this variant in the population databases is considered unreliable, as metrics indicate poor data quality at this position in the gnomAD database. This variant has not been reported in the literature in individuals affected with SIK1-related conditions. ClinVar contains an entry for this variant (Variation ID: 1926632). Advanced modeling of protein sequence and biophysical properties (such as structural, functional, and spatial information, amino acid conservation, physicochemical variation, residue mobility, and thermodynamic stability) performed at Invitae indicates that this missense variant is not expected to disrupt SIK1 protein function with a negative predictive value of 95%. In summary, the available evidence is currently insufficient to determine the role of this variant in disease. Therefore, it has been classified as a Variant of Uncertain Significance.

NM_173354.5(SIK1):c.1898A>G (p.Gln633Arg)

Gene: SIK1 (salt inducible kinase 1; minus strand). Cytogenetic location: 21q22.3.
Variant type: single nucleotide variant.
Coding change: c.1898A>G on transcript NM_173354.5 (MANE Select); coding-DNA position 1898, A replaced by G.
Protein change: p.Gln633Arg; replaces glutamine 633 with arginine.
Molecular consequence: missense variant.
Genome position (GRCh38, 1-based): chr21:43,417,621, T>C on the plus strand (A>G on the coding strand, the complement: SIK1 is on the minus strand). VCF-style: chr21-43417621-T-C. GRCh37 (hg19) VCF-style: chr21-44837501-T-C.
Other names: short protein forms Q633R.
Identifiers: ClinVar variation 1926632 (VCV001926632.5), dbSNP rs778851385, ClinGen allele CA321324856.
Genomic context (GRCh38, chr21:43,417,621, plus strand): 5'-TCCTCCAGCAGGCTCCAGCCCTCCCGGCTGCCGGCTGCGCCGCCGTGCAGGCCTGGGCTC[T>C]GTGCAGGGGCGTGGAAGGGGCTCAGGCCGCCCCTGCTGGCCCGGCTGGCGGGGGCCTGGC-3'
Protein context (NP_775490.2, residues 623-643): GGLSPFHAPA[Gln633Arg]SPGLHGGAAG